The following is an entry in ClinVar:

NM_002230.4(JUP):c.809T>A (p.Leu270Gln)

Gene: JUP (junction plakoglobin; minus strand). Cytogenetic location: 17q21.2.
Variant type: single nucleotide variant.
Coding change: c.809T>A on transcript NM_002230.4 (MANE Select); coding-DNA position 809, T replaced by A.
Protein change: p.Leu270Gln; replaces leucine 270 with glutamine.
Molecular consequence: missense variant.
Genome position (GRCh38, 1-based): chr17:41,767,479, A>T on the plus strand (T>A on the coding strand, the complement: JUP is on the minus strand). VCF-style: chr17-41767479-A-T. GRCh37 (hg19) VCF-style: chr17-39923731-A-T.
Other names: c.809T>A, p.Leu270Gln (NM_001352773.2, NM_001352774.2, NM_001352775.2 and 3 more transcripts); short protein forms L270Q.
Identifiers: ClinVar variation 201818 (VCV000201818.17), dbSNP rs794729040, ClinGen allele CA308496.

ClinVar aggregate classification (germline): Conflicting classifications of pathogenicity. Review status: criteria provided, conflicting classifications (1 of 4 stars). 7 submissions from 7 submitters: Uncertain significance (6); Likely benign (1). Last evaluated 2026-01-31.

Conditions:
Cardiovascular phenotype. Identifiers: MedGen CN230736.
Arrhythmogenic right ventricular dysplasia 12. Also called: ARRHYTHMOGENIC RIGHT VENTRICULAR DYSPLASIA, FAMILIAL, 12. Identifiers: MedGen C1969081, MONDO:0012684, OMIM 611528.
Naxos disease (NXD). Also called: WOOLLY HAIR, PALMOPLANTAR KERATODERMA, AND CARDIAC ABNORMALITIES; KERATOSIS PALMOPLANTARIS WITH ARRHYTHMOGENIC CARDIOMYOPATHY; MAL DE NAXOS; PALMOPLANTAR KERATODERMA WITH ARRHYTHMOGENIC RIGHT VENTRICULAR CARDIOMYOPATHY AND WOOLLY HAIR; CARDIOMYOPATHY, ARRHYTHMOGENIC RIGHT VENTRICULAR, WITH SKIN, HAIR, AND NAIL ABNORMALITIES. Identifiers: Orphanet 34217, MedGen C1832600, MONDO:0011017, OMIM 601214.

Allele frequency attached by ClinVar (database versions not stated): ESP Exome Variant Server 0.00008; gnomAD 0.00008 and 0.00007; gnomAD exomes 0.00011 and 0.00003; ExAC 0.00002; TOPMed 0.00004.
gnomAD v4.1: 175 of 1,613,730 alleles (0.011%); highest among the groups gnomAD compares: Non-Finnish European, 0.014%; no homozygotes.

Submissions (7):

Labcorp Genetics (formerly Invitae), Labcorp
Classification: Uncertain significance for Arrhythmogenic right ventricular dysplasia 12; Naxos disease. Last evaluated: 2026-01-31. Review status: criteria provided, single submitter. Criteria: Invitae Variant Classification Sherloc (09022015). Collection method: clinical testing. Allele origin: germline.
Comment: This sequence change replaces leucine, which is neutral and non-polar, with glutamine, which is neutral and polar, at codon 270 of the JUP protein (p.Leu270Gln). This variant is present in population databases (rs374177985, gnomAD 0.007%). This variant has not been reported in the literature in individuals affected with JUP-related conditions. ClinVar contains an entry for this variant (Variation ID: 201818). An algorithm developed to predict the effect of missense changes on protein structure and function (PolyPhen-2) suggests that this variant is likely to be disruptive. In summary, the available evidence is currently insufficient to determine the role of this variant in disease. Therefore, it has been classified as a Variant of Uncertain Significance.

Women's Health and Genetics/Laboratory Corporation of America, LabCorp
Classification: Uncertain significance. Last evaluated: 2025-06-02. Review status: criteria provided, single submitter. Criteria: LabCorp Variant Classification Summary - May 2015. Collection method: clinical testing. Allele origin: germline.
Comment: Variant summary: JUP c.809T>A (p.Leu270Gln) results in a non-conservative amino acid change located in the Armadillo-like helical domain (IPR011989) of the encoded protein sequence. Algorithms developed to predict the effect of missense changes on protein structure and function all suggest that this variant is likely to be disruptive. The variant allele was found at a frequency of 2.8e-05 in 251430 control chromosomes. The available data on variant occurrences in the general population are insufficient to allow any conclusion about variant significance. To our knowledge, no occurrence of c.809T>A in individuals affected with Arrhythmogenic Right Ventricular Dysplasia/Cardiomyopathy and no experimental evidence demonstrating its impact on protein function have been reported. ClinVar contains an entry for this variant (Variation ID: 201818). Based on the evidence outlined above, the variant was classified as uncertain significance.

Blueprint Genetics
Classification: Uncertain significance. Last evaluated: 2024-09-25. Review status: criteria provided, single submitter. Criteria: ACMG Guidelines, 2015. Collection method: clinical testing. Allele origin: germline.

Ambry Genetics
Classification: Likely benign for Cardiovascular phenotype. Last evaluated: 2023-04-18. Review status: criteria provided, single submitter. Criteria: Ambry Variant Classification Scheme 2023. Collection method: clinical testing. Allele origin: germline.

AiLife Diagnostics
Classification: Uncertain significance. Last evaluated: 2022-02-23. Review status: criteria provided, single submitter. Criteria: ACMG Guidelines, 2015. Collection method: clinical testing. Allele origin: germline. Affected: yes. Observed: 2 variant alleles.

Victorian Clinical Genetics Services, Murdoch Childrens Research Institute
Classification: Uncertain significance for Arrhythmogenic right ventricular dysplasia 12. Last evaluated: 2022-02-02. Review status: criteria provided, single submitter. Criteria: ACMG Guidelines, 2015. Collection method: clinical testing. Allele origin: germline. Inheritance: Autosomal dominant inheritance.
Comment: Based on the classification scheme VCGS_Germline_v1.3.4, this variant is classified as VUS-3C. Following criteria are met: 0102 - Loss of function is a known mechanism of disease in this gene and is associated with arrhythmogenic right ventricular dysplasia and Naxos disease. (I) 0108 - This gene is associated with both recessive and dominant disease. Arrhythmogenic right ventricular dysplasia is caused by dominant mutations, whereas Naxos disease is caused by recessively inherited mutations with additional cutaneous phenotypes (PMID: 16722579). (I) 0200 - Variant is predicted to result in a missense amino acid change from leucine to glutamine. (I) 0251 - This variant is heterozygous. (I) 0302 - Variant is present in gnomAD (v3) <0.001 for a dominant condition (11 heterozygotes, 0 homozygotes). (SP) 0501 - Missense variant consistently predicted to be damaging by multiple in silico tools or highly conserved with a major amino acid change. (SP) 0600 - Variant is located in the annotated ARM (4) domain in a region that interacts with DSC1 and DSG1 (UniProt). (I) 0710 - Another missense comparable to the one identified in this case has inconclusive previous evidence for pathogenicity. This alternative change, p.(Leu270Arg), has been reported as a VUS (LOVD, ClinVar). (I) 0809 - Previous evidence of pathogenicity for this variant is inconclusive. This variant has previously been identified in the Brugada syndrome, hypetrophic cardiomyopathy and catecholaminergic polymorphic ventricular tachycardia cohorts at VCGS. This variant has two VUS entries in ClinVar. (I) 0905 - No published segregation evidence has been identified for this variant. (I) 1007 - No published functional evidence has been identified for this variant. (I) 1208 - Inheritance information for this variant is not currently available in this individual. (I) Legend: (SP) - Supporting pathogenic, (I) - Information, (SB) - Supporting benign

Fulgent Genetics
Classification: Uncertain significance for Naxos disease; Arrhythmogenic right ventricular dysplasia 12. Last evaluated: 2021-07-28. Review status: criteria provided, single submitter. Criteria: ACMG Guidelines, 2015. Collection method: clinical testing. Allele origin: unknown.

Literature cited by the submitters: PubMed 16722579 (cited by Victorian Clinical Genetics Services, Murdoch Childrens Research Institute).